The following is an entry in ClinVar:

NM_000535.7(PMS2):c.1627G>C (p.Asp543His)

Gene: PMS2 (PMS1 homolog 2, mismatch repair system component; minus strand). Cytogenetic location: 7p22.1.
Variant type: single nucleotide variant.
Coding change: c.1627G>C on transcript NM_000535.7 (MANE Select); coding-DNA position 1627, G replaced by C.
Protein change: p.Asp543His; replaces aspartic acid 543 with histidine.
Molecular consequence: missense variant. On other transcripts: non-coding transcript variant (1).
Genome position (GRCh38, 1-based): chr7:5,987,138, C>G on the plus strand (G>C on the coding strand, the complement: PMS2 is on the minus strand). VCF-style: chr7-5987138-C-G. GRCh37 (hg19) VCF-style: chr7-6026769-C-G.
Other names: c.1309G>C, p.Asp437His (NM_001322007.2, NM_001322008.2, NM_001406876.1 and 2 more transcripts); c.1066G>C, p.Asp356His (NM_001322010.2, NM_001406906.1, NM_001406907.1); c.1222G>C, p.Asp408His (NM_001322009.2, NM_001406887.1, NM_001406888.1 and 17 more transcripts); c.1627G>C, p.Asp543His (NM_001406871.1, NM_001406872.1, NM_001322014.2); c.1429G>C, p.Asp477His (NM_001406873.1); c.1459G>C, p.Asp487His (NM_001406874.1); c.1318G>C, p.Asp440His (NM_001406875.1, NM_001406877.1, NM_001406878.1 and 5 more transcripts); c.1303G>C, p.Asp435His (NM_001406884.1); and 12 more; short protein forms D352H, D385H, D388H, D477H, D551H, D605H, D356H, D435H.
Identifiers: ClinVar variation 1776728 (VCV001776728.3), dbSNP rs2128726531, ClinGen allele CA366741453.
Genomic context (GRCh38, chr7:5,987,138, plus strand): 5'-GAAATTTACATCCGGTATCTTCCTGGTTTGAATGGCAGTCCACATCTGAAAAAGAGTCGT[C>G]AGTTTTAGGCGCTTTCTCCTGAGAGTCCACATGTTCCTGCGAGCCCCTGTCCCCTGGGGA-3'
Protein context (NP_000526.2, residues 533-553): VDSQEKAPKT[Asp543His]DSFSDVDCHS

ClinVar aggregate classification (germline): Uncertain significance. Review status: criteria provided, multiple submitters, no conflicts (2 of 4 stars). 2 submissions from 2 submitters: Uncertain significance (2). Last evaluated 2023-11-07.

Conditions:
Hereditary cancer-predisposing syndrome. Also called: Neoplastic Syndromes, Hereditary; Tumor predisposition; Hereditary Cancer Syndrome; Hereditary neoplastic syndrome. Identifiers: Orphanet 140162, MedGen C0027672, MeSH D009386, MONDO:0015356.
Lynch syndrome 4 (LYNCH4). Also called: Colorectal cancer, hereditary nonpolyposis, type 4; Hereditary non-polyposis colorectal cancer, type 4. Identifiers: Orphanet 144, MedGen C1838333, MONDO:0013699, OMIM 614337. Disease mechanism: loss of function.

Submissions (2):

Baylor Genetics
Classification: Uncertain significance for Lynch syndrome 4. Last evaluated: 2023-11-07. Review status: criteria provided, single submitter. Criteria: ACMG Guidelines, 2015. Collection method: clinical testing. Allele origin: unknown.

Ambry Genetics
Classification: Uncertain significance for Hereditary cancer-predisposing syndrome. Last evaluated: 2020-06-16. Review status: criteria provided, single submitter. Criteria: Ambry Variant Classification Scheme 2023. Collection method: clinical testing. Allele origin: germline.
Comment: The p.D543H variant (also known as c.1627G>C), located in coding exon 11 of the PMS2 gene, results from a G to C substitution at nucleotide position 1627. The aspartic acid at codon 543 is replaced by histidine, an amino acid with similar properties. This amino acid position is not well conserved in available vertebrate species. In addition, this alteration is predicted to be tolerated by in silico analysis. Since supporting evidence is limited at this time, the clinical significance of this alteration remains unclear.